The following is an entry in ClinVar:

NM_006397.3(RNASEH2A):c.638-3C>T

Gene: RNASEH2A (ribonuclease H2 subunit A; plus strand). Cytogenetic location: 19p13.13.
Variant type: single nucleotide variant.
Coding change: c.638-3C>T on transcript NM_006397.3 (MANE Select); 3 bases into the intron before coding-DNA position 638, C replaced by T.
Molecular consequence: intron variant.
Genome position (GRCh38, 1-based): chr19:12,813,080, C>T. VCF-style: chr19-12813080-C-T. GRCh37 (hg19) VCF-style: chr19-12923894-C-T.
Identifiers: ClinVar variation 1018791 (VCV001018791.4), dbSNP rs780614048, ClinGen allele CA305493950.

ClinVar aggregate classification (germline): Uncertain significance (1 of 4 stars; one submission).

Conditions:
Aicardi-Goutieres syndrome 4. Identifiers: Orphanet 51, MedGen C1835912, MONDO:0012472, OMIM 610333.

Allele frequency attached by ClinVar (database versions not stated): gnomAD exomes below 0.00001; TOPMed 0.00002; gnomAD 0.00003 and 0.00004.
gnomAD v4.1: 8 of 1,613,980 alleles (0.0005%); highest among the groups gnomAD compares: African/African-American, 0.008%; no homozygotes.

Submission:

Labcorp Genetics (formerly Invitae), Labcorp
Classification: Uncertain significance for Aicardi-Goutieres syndrome 4. Last evaluated: 2022-07-12. Review status: criteria provided, single submitter. Criteria: Invitae Variant Classification Sherloc (09022015). Collection method: clinical testing. Allele origin: germline.
Comment: This sequence change falls in intron 6 of the RNASEH2A gene. It does not directly change the encoded amino acid sequence of the RNASEH2A protein. It affects a nucleotide within the consensus splice site. The frequency data for this variant in the population databases is considered unreliable, as metrics indicate poor data quality at this position in the gnomAD database. This variant has not been reported in the literature in individuals affected with RNASEH2A-related conditions. ClinVar contains an entry for this variant (Variation ID: 1018791). Variants that disrupt the consensus splice site are a relatively common cause of aberrant splicing (PMID: 17576681, 9536098). Algorithms developed to predict the effect of sequence changes on RNA splicing suggest that this variant is not likely to affect RNA splicing. In summary, the available evidence is currently insufficient to determine the role of this variant in disease. Therefore, it has been classified as a Variant of Uncertain Significance.

Literature cited by the submitters: PubMed 17576681; PubMed 9536098.